The following is an entry in ClinVar:

ClinVar aggregate classification (germline): Uncertain significance (1 of 4 stars; one submission).

Submission:

Ambry Genetics
Classification: Uncertain significance. Last evaluated: 2026-03-30. Review status: criteria provided, single submitter. Criteria: Ambry Variant Classification Scheme 2023. Collection method: clinical testing. Allele origin: germline.
Comment: The p.E254A variant (also known as c.761A>C), located in coding exon 4 of the PALLD gene, results from an A to C substitution at nucleotide position 761. The glutamic acid at codon 254 is replaced by alanine, an amino acid with dissimilar properties. This amino acid position is conserved. In addition, this alteration is predicted to be deleterious by in silico analysis. Based on the available evidence, the clinical significance of this variant remains unclear.

NM_001166108.2(PALLD):c.2273A>C (p.Glu758Ala)

Genes: CBR4 (carbonyl reductase 4; minus strand), PALLD (palladin, cytoskeletal associated protein; plus strand). Cytogenetic location: 4q32.3.
Variant type: single nucleotide variant.
Coding change: c.2273A>C on transcript NM_001166108.2 (MANE Select); coding-DNA position 2273, A replaced by C.
Protein change: p.Glu758Ala; replaces glutamic acid 758 with alanine.
Molecular consequence: missense variant.
Genome position (GRCh38, 1-based): chr4:168,898,515, A>C. VCF-style: chr4-168898515-A-C. GRCh37 (hg19) VCF-style: chr4-169819666-A-C.
Other names: c.1076A>C, p.Glu359Ala (NM_001166109.2); c.761A>C, p.Glu254Ala (NM_001166110.2); c.101A>C, p.Glu34Ala (NM_001367567.1, NM_001367569.1); c.152A>C, p.Glu51Ala (NM_001367568.1, NM_001367570.1); c.2222A>C, p.Glu741Ala (NM_016081.4); short protein forms E254A, E34A, E359A, E51A, E741A, E758A.
Identifiers: ClinVar variation 4861528 (VCV004861528.1).